The following is an entry in ClinVar:

NM_024675.4(PALB2):c.1209G>C (p.Leu403=)

Gene: PALB2 (partner and localizer of BRCA2; minus strand). Cytogenetic location: 16p12.2.
Variant type: single nucleotide variant.
Coding change: c.1209G>C on transcript NM_024675.4 (MANE Select); coding-DNA position 1209, G replaced by C.
Protein change: p.Leu403=; no amino-acid change (leucine 403 retained).
Molecular consequence: synonymous variant.
Genome position (GRCh38, 1-based): chr16:23,635,337, C>G on the plus strand (G>C on the coding strand, the complement: PALB2 is on the minus strand). VCF-style: chr16-23635337-C-G. GRCh37 (hg19) VCF-style: chr16-23646658-C-G.
Identifiers: ClinVar variation 1114256 (VCV001114256.10), dbSNP rs786202452, ClinGen allele CA494461772.

ClinVar aggregate classification (germline): Benign/Likely benign. Review status: criteria provided, multiple submitters, no conflicts (2 of 4 stars). 3 submissions from 3 submitters: Benign (1); Likely benign (2). Last evaluated 2025-01-13.

Conditions:
Familial cancer of breast. Also called: hereditary breast carcinoma; BREAST CANCER, FAMILIAL; Hereditary breast cancer. Identifiers: Orphanet 227535, MedGen C0346153, MONDO:0016419, OMIM 114480. Disease mechanism: loss of function.
Hereditary cancer-predisposing syndrome. Also called: Hereditary neoplastic syndrome; Hereditary Cancer Syndrome; Neoplastic Syndromes, Hereditary; Tumor predisposition. Identifiers: Orphanet 140162, MedGen C0027672, MeSH D009386, MONDO:0015356.

Submissions (3):

Myriad Genetics, Inc.
Classification: Benign for Familial cancer of breast. Last evaluated: 2025-01-13. Review status: criteria provided, single submitter. Criteria: Myriad Autosomal Dominant, Autosomal Recessive and X-Linked Classification Criteria (2023). Collection method: clinical testing. Allele origin: unknown.
Comment: This variant is considered benign. This variant is a silent/synonymous amino acid change and it is not expected to impact splicing.

Labcorp Genetics (formerly Invitae), Labcorp
Classification: Likely benign for Familial cancer of breast. Last evaluated: 2024-09-01. Review status: criteria provided, single submitter. Criteria: Invitae Variant Classification Sherloc (09022015). Collection method: clinical testing. Allele origin: germline.

Ambry Genetics
Classification: Likely benign for Hereditary cancer-predisposing syndrome. Last evaluated: 2020-01-24. Review status: criteria provided, single submitter. Criteria: Ambry Variant Classification Scheme 2023. Collection method: clinical testing. Allele origin: germline.